The following is an entry in ClinVar:

NM_000260.4(MYO7A):c.3262C>T (p.Gln1088Ter)

Gene: MYO7A (myosin VIIA; plus strand). Cytogenetic location: 11q13.5.
Variant type: single nucleotide variant.
Coding change: c.3262C>T on transcript NM_000260.4 (MANE Select); coding-DNA position 3262, C replaced by T.
Protein change: p.Gln1088Ter; replaces glutamine 1088 with a stop codon.
Molecular consequence: nonsense.
Genome position (GRCh38, 1-based): chr11:77,182,577, C>T. VCF-style: chr11-77182577-C-T. GRCh37 (hg19) VCF-style: chr11-76893622-C-T.
Other names: c.3262C>T, p.Gln1088Ter (NM_001127180.2); c.3229C>T, p.Gln1077Ter (NM_001369365.1); short protein forms Q1088*, Q1077*.
Identifiers: ClinVar variation 371695 (VCV000371695.14), dbSNP rs376535635, ClinGen allele CA6198014.
Genomic context (GRCh38, chr11:77,182,577, plus strand): 5'-ATCCCTGTGATGACCAAGATTTATGAGACCCTGGGCAAGAAGACGTACAAGAGGGAGCTG[C>T]AGGCCCTGCAGGGCGAGGGCGAGGTGAGGCCAAGGTGCCCTCTGGATGATGTCCCTCCCA-3'

ClinVar aggregate classification (germline): Pathogenic. Review status: criteria provided, multiple submitters, no conflicts (2 of 4 stars). 8 submissions from 7 submitters: Pathogenic (5). 3 of the submissions do not count toward it. Last evaluated 2024-05-09.

Conditions:
Autosomal dominant nonsyndromic hearing loss 11. Identifiers: Orphanet 90635, MedGen C1832475, MONDO:0011032, OMIM 601317.
Autosomal recessive nonsyndromic hearing loss 2. Also called: DEAFNESS, AUTOSOMAL RECESSIVE 2; NEUROSENSORY NONSYNDROMIC RECESSIVE DEAFNESS 2. Identifiers: Orphanet 90636, MedGen C1838701, MONDO:0010807, OMIM 600060.
Usher syndrome type 1 (USH1). Also called: RETINITIS PIGMENTOSA AND CONGENITAL DEAFNESS. Identifiers: Orphanet 231169, Orphanet 886, MedGen C1568247, MONDO:0010168, OMIM 276900.
MYO7A-related disorder. Also called: MYO7A-related disorders.
Usher syndrome type 1B (USH1B). Also called: Usher syndrome type IB. Identifiers: MedGen C1848638, MONDO:0700087.

Allele frequency attached by ClinVar (database versions not stated): gnomAD exomes below 0.00001 and 0.00001; TOPMed below 0.00001; ExAC 0.00001; gnomAD 0.00001; ESP Exome Variant Server 0.00008.
gnomAD v4.1: 4 of 1,612,966 alleles (0.00025%); highest among the groups gnomAD compares: Non-Finnish European, 0.00034%; no homozygotes.

Submissions (8):

Blueprint Genetics
Classification: Pathogenic for MYO7A-related disorders. Last evaluated: 2024-05-09. Review status: criteria provided, single submitter. Criteria: ACMG Guidelines, 2015. Collection method: clinical testing. Allele origin: germline. Affected: yes. Observed: 5 variant alleles.

Natera, Inc.
Classification: Pathogenic for Usher syndrome type 1B. Last evaluated: 2024-03-19. Review status: criteria provided, single submitter. Criteria: Natera Variant Classification Schema (03/2026). Collection method: clinical testing. Allele origin: germline.
Comment: The c.3262C>T variant in MYO7A is a nonsense variant predicted to introduce a stop codon at amino acid 1088. This variant is expected to result in nonsense mediated decay, truncation, or a dysfunctional protein product. This variant is rare in the general population with a frequency below the threshold expected for the associated phenotype(s). This variant has been observed in one or more individuals affected with the associated recessive disease, as either homozygous or compound heterozygous with a second variant (PMID: 27460420). Given the available evidence, this variant is classified as Pathogenic.

Fulgent Genetics
Classification: Pathogenic for Usher syndrome type 1; Autosomal recessive nonsyndromic hearing loss 2; Autosomal dominant nonsyndromic hearing loss 11. Last evaluated: 2024-02-07. Review status: criteria provided, single submitter. Criteria: ACMG Guidelines, 2015. Collection method: clinical testing. Allele origin: germline.

Labcorp Genetics (formerly Invitae), Labcorp
Classification: Pathogenic. Last evaluated: 2023-02-16. Review status: criteria provided, single submitter. Criteria: Invitae Variant Classification Sherloc (09022015). Collection method: clinical testing. Allele origin: germline.
Comment: This sequence change creates a premature translational stop signal (p.Gln1088*) in the MYO7A gene. It is expected to result in an absent or disrupted protein product. Loss-of-function variants in MYO7A are known to be pathogenic (PMID: 8900236, 25404053). This variant is present in population databases (rs376535635, gnomAD 0.002%). This premature translational stop signal has been observed in individual(s) with deafness, inherited retinal disease, and/or Usher syndrome (PMID: 23591405, 30358468, 31456290, 32860223). ClinVar contains an entry for this variant (Variation ID: 371695). For these reasons, this variant has been classified as Pathogenic.

The Shared Resource Centre "Genome", Research Centre for Medical Genetics
Classification: Pathogenic for Autosomal recessive nonsyndromic hearing loss 2. Last evaluated: 2022-11-10. Review status: criteria provided, single submitter. Criteria: ACMG Guidelines, 2015. Collection method: clinical testing. Allele origin: germline. Affected: yes. Observed: 1 variant allele.

Sharon lab, Hadassah-Hebrew University Medical Center
Classification: Pathogenic for Usher syndrome type 1. Last evaluated: 2019-06-23. Review status: no assertion criteria provided. Collection method: research. Allele origin: inherited. Affected: yes. Not counted in ClinVar's aggregate classification.

Counsyl
Classification: Likely pathogenic for Usher syndrome type 1. Last evaluated: 2016-11-02. Review status: no assertion criteria provided. Collection method: clinical testing. Allele origin: unknown. Not counted in ClinVar's aggregate classification.

Counsyl
Classification: Likely pathogenic for Autosomal recessive nonsyndromic hearing loss 2. Last evaluated: 2016-11-02. Review status: no assertion criteria provided. Collection method: clinical testing. Allele origin: unknown. Not counted in ClinVar's aggregate classification.

Literature cited by the submitters: PubMed 27460420 (cited by Natera, Inc.); PubMed 8900236 (cited by Labcorp Genetics (formerly Invitae), Labcorp); PubMed 25404053 (cited by Labcorp Genetics (formerly Invitae), Labcorp); PubMed 23591405 (cited by Labcorp Genetics (formerly Invitae), Labcorp and Counsyl); PubMed 30358468 (cited by Labcorp Genetics (formerly Invitae), Labcorp); PubMed 31456290 (cited by Labcorp Genetics (formerly Invitae), Labcorp); PubMed 32860223 (cited by Labcorp Genetics (formerly Invitae), Labcorp).